The following is an entry in ClinVar:

NM_014991.6(WDFY3):c.6815A>C (p.Lys2272Thr)

Gene: WDFY3 (WD repeat and FYVE domain containing 3; minus strand). Cytogenetic location: 4q21.23.
Variant type: single nucleotide variant.
Coding change: c.6815A>C on transcript NM_014991.6 (MANE Select); coding-DNA position 6815, A replaced by C.
Protein change: p.Lys2272Thr; replaces lysine 2272 with threonine.
Molecular consequence: missense variant.
Genome position (GRCh38, 1-based): chr4:84,736,270, T>G on the plus strand (A>C on the coding strand, the complement: WDFY3 is on the minus strand). VCF-style: chr4-84736270-T-G. GRCh37 (hg19) VCF-style: chr4-85657423-T-G.
Other names: short protein forms K2272T.
Identifiers: ClinVar variation 2505955 (VCV002505955.1), dbSNP rs1416416484, ClinGen allele CA357551557.
Genomic context (GRCh38, chr4:84,736,270, plus strand): 5'-CGATTCCTTCTTGATCCTGTTAACTTGGAAAGACCAAAGCCACTGCTGACACGGGATAAT[T>G]TGGACTGTGTGGTGGGCGCTAAAGCTTCTCCTCGACTTATGCATTTCTTTTCATGGGCTA-3'
Protein context (NP_055806.2, residues 2262-2282): GEALAPTTQS[Lys2272Thr]LSRVSSGFGL

ClinVar aggregate classification (germline): Uncertain significance (1 of 4 stars; one submission).

Submission:

GeneDx
Classification: Uncertain significance. Last evaluated: 2022-12-16. Review status: criteria provided, single submitter. Criteria: GeneDx Variant Classification Process June 2021. Collection method: clinical testing. Allele origin: germline. Affected: yes.
Comment: Not observed at significant frequency in large population cohorts (gnomAD); In silico analysis supports that this missense variant has a deleterious effect on protein structure/function; Has not been previously published as pathogenic or benign to our knowledge